The following is an entry in ClinVar:

NM_000489.6(ATRX):c.1753G>T (p.Glu585Ter)

Gene: ATRX (ATRX chromatin remodeler; minus strand). Cytogenetic location: Xq21.1.
Variant type: single nucleotide variant.
Coding change: c.1753G>T on transcript NM_000489.6 (MANE Select); coding-DNA position 1753, G replaced by T.
Protein change: p.Glu585Ter; replaces glutamic acid 585 with a stop codon.
Molecular consequence: nonsense.
Genome position (GRCh38, 1-based): chrX:77,683,503, C>A on the plus strand (G>T on the coding strand, the complement: ATRX is on the minus strand). VCF-style: chrX-77683503-C-A. GRCh37 (hg19) VCF-style: chrX-76938995-C-A.
Other names: c.1753G>T (NM_000489.3, NM_000489.5); c.1639G>T, p.Glu547Ter (NM_138270.5); short protein forms E585*, E547*.
Identifiers: ClinVar variation 290044 (VCV000290044.7), dbSNP rs886044898, ClinGen allele CA10606634.

ClinVar aggregate classification (germline): Pathogenic/Likely pathogenic. Review status: criteria provided, multiple submitters, no conflicts (2 of 4 stars). 3 submissions from 3 submitters: Pathogenic (2); Likely pathogenic (1). Last evaluated 2023-08-22.

Submissions (3):

Revvity Omics, Revvity
Classification: Likely pathogenic. Last evaluated: 2023-08-22. Review status: criteria provided, single submitter. Criteria: ACMG Guidelines, 2015. Collection method: clinical testing. Allele origin: germline.

GeneDx
Classification: Pathogenic. Last evaluated: 2023-03-27. Review status: criteria provided, single submitter. Criteria: GeneDx Variant Classification Process June 2021. Collection method: clinical testing. Allele origin: germline. Affected: yes.
Comment: Nonsense variant predicted to result in protein truncation or nonsense mediated decay in a gene for which loss of function is a known mechanism of disease; Not observed at significant frequency in large population cohorts (gnomAD); Has not been previously published as pathogenic or benign to our knowledge

Eurofins Ntd Llc (ga)
Classification: Pathogenic. Last evaluated: 2016-08-18. Review status: criteria provided, single submitter. Criteria: EGL Classification Definitions 2015. Collection method: clinical testing. Allele origin: germline. Observed: 1 variant allele, 1 hemizygote.